The following is an entry in ClinVar:

ClinVar aggregate classification (germline): Uncertain significance (1 of 4 stars; one submission).

gnomAD v4.1: 1 of 1,614,054 alleles (0.000062%); highest among the groups gnomAD compares: African/African-American, 0.0013%; no homozygotes.

Submission:

Labcorp Genetics (formerly Invitae), Labcorp
Classification: Uncertain significance. Last evaluated: 2025-12-15. Review status: criteria provided, single submitter. Criteria: Invitae Variant Classification Sherloc (09022015). Collection method: clinical testing. Allele origin: germline.
Comment: This sequence change replaces threonine, which is neutral and polar, with alanine, which is neutral and non-polar, at codon 660 of the SIN3A protein (p.Thr660Ala). This variant is present in population databases (no rsID available, gnomAD 0.01%). This variant has not been reported in the literature in individuals affected with SIN3A-related conditions. Invitae Evidence Modeling of protein sequence and biophysical properties (such as structural, functional, and spatial information, amino acid conservation, physicochemical variation, residue mobility, and thermodynamic stability) indicates that this missense variant is not expected to disrupt SIN3A protein function with a negative predictive value of 80%. In summary, the available evidence is currently insufficient to determine the role of this variant in disease. Therefore, it has been classified as a Variant of Uncertain Significance.

NM_001145358.2(SIN3A):c.1978A>G (p.Thr660Ala)

Gene: SIN3A (SIN3 transcription regulator family member A; minus strand). Cytogenetic location: 15q24.2.
Variant type: single nucleotide variant.
Coding change: c.1978A>G on transcript NM_001145358.2 (MANE Select); coding-DNA position 1978, A replaced by G.
Protein change: p.Thr660Ala; replaces threonine 660 with alanine.
Molecular consequence: missense variant.
Genome position (GRCh38, 1-based): chr15:75,396,373, T>C on the plus strand (A>G on the coding strand, the complement: SIN3A is on the minus strand). VCF-style: chr15-75396373-T-C. GRCh37 (hg19) VCF-style: chr15-75688714-T-C.
Other names: c.1978A>G, p.Thr660Ala (NM_001145357.2, NM_001437462.1, NM_001437463.1 and 1 more transcripts); short protein forms T660A.
Identifiers: ClinVar variation 4741026 (VCV004741026.1).
Genomic context (GRCh38, chr15:75,396,373, plus strand): 5'-TGTCAGCTGCTTTATCAGCATATATCCTCTGGAGTGCTTTTCTATGGATGACTTCTGATG[T>C]GCCCCCAAGGGTGTTGTCCAAGCGAAATTTGGCTTGTTCTTCAGCAGACAAGCGGGAAAG-3'
Protein context (NP_001138830.1, residues 650-670): KFRLDNTLGG[Thr660Ala]SEVIHRKALQ